The following is an entry in ClinVar:

NM_000535.7(PMS2):c.1694T>C (p.Leu565Ser)

Gene: PMS2 (PMS1 homolog 2, mismatch repair system component; minus strand). Cytogenetic location: 7p22.1.
Variant type: single nucleotide variant.
Coding change: c.1694T>C on transcript NM_000535.7 (MANE Select); coding-DNA position 1694, T replaced by C.
Protein change: p.Leu565Ser; replaces leucine 565 with serine.
Molecular consequence: missense variant. On other transcripts: non-coding transcript variant (1).
Genome position (GRCh38, 1-based): chr7:5,987,071, A>G on the plus strand (T>C on the coding strand, the complement: PMS2 is on the minus strand). VCF-style: chr7-5987071-A-G. GRCh37 (hg19) VCF-style: chr7-6026702-A-G.
Other names: c.1289T>C, p.Leu430Ser (NM_001322003.2, NM_001322004.2, NM_001322005.2 and 1 more transcripts); c.1538T>C, p.Leu513Ser (NM_001322006.2); c.1376T>C, p.Leu459Ser (NM_001322007.2, NM_001322008.2); c.1133T>C, p.Leu378Ser (NM_001322010.2); c.761T>C, p.Leu254Ser (NM_001322011.2, NM_001322012.2); c.1121T>C, p.Leu374Ser (NM_001322013.2); c.1694T>C, p.Leu565Ser (NM_001322014.2); c.1385T>C, p.Leu462Ser (NM_001322015.2); short protein forms L254S, L374S, L430S, L513S, L565S, L378S, L459S, L462S.
Identifiers: ClinVar variation 922526 (VCV000922526.5), dbSNP rs1783008091, ClinGen allele CA366741170.

ClinVar aggregate classification (germline): Uncertain significance. Review status: criteria provided, multiple submitters, no conflicts (2 of 4 stars). 2 submissions from 2 submitters: Uncertain significance (2). Last evaluated 2024-03-06.

Conditions:
Hereditary cancer-predisposing syndrome. Also called: Neoplastic Syndromes, Hereditary; Tumor predisposition; Hereditary Cancer Syndrome; Hereditary neoplastic syndrome. Identifiers: Orphanet 140162, MedGen C0027672, MeSH D009386, MONDO:0015356.
Lynch syndrome. Identifiers: Orphanet 144, MedGen C4552100, MONDO:0005835. Disease mechanism: loss of function.

Submissions (2):

Color Diagnostics, LLC DBA Color Health
Classification: Uncertain significance for Hereditary cancer-predisposing syndrome. Last evaluated: 2024-03-06. Review status: criteria provided, single submitter. Criteria: ACMG Guidelines, 2015. Collection method: clinical testing. Allele origin: germline.
Comment: This missense variant replaces leucine with serine at codon 565 in the PMS2 protein. Computational prediction suggests that this variant may not impact protein structure and function (internally defined REVEL score threshold <= 0.5, PMID: 27666373). To our knowledge, functional studies have not been reported for this variant. This variant has not been reported in individuals affected with PMS2-related disorders in the literature. This variant has not been identified in the general population by the Genome Aggregation Database (gnomAD). The available evidence is insufficient to determine the role of this variant in disease conclusively. Therefore, this variant is classified as a Variant of Uncertain Significance.

All of Us Research Program, National Institutes of Health
Classification: Uncertain significance for Lynch syndrome. Last evaluated: 2023-10-02. Review status: criteria provided, single submitter. Criteria: ACMG Guidelines, 2015. Collection method: clinical testing. Allele origin: germline. Inheritance: Autosomal dominant inheritance. Observed: 1 variant allele, 1 heterozygote.
Comment: This missense variant replaces leucine with serine at codon 565 in the PMS2 protein. Computational prediction suggests that this variant may not impact protein structure and function (internally defined REVEL score threshold <= 0.5, PMID: 27666373). To our knowledge, functional studies have not been reported for this variant. This variant has not been reported in individuals affected with PMS2-related disorders in the literature. This variant has not been identified in the general population by the Genome Aggregation Database (gnomAD). The available evidence is insufficient to determine the role of this variant in disease conclusively. Therefore, this variant is classified as a Variant of Uncertain Significance.

This study involves interpretation of variants in research participants for the purpose of population health screening. Participant phenotype was not available at the time of variant classification. Additional details can be found in publication PMID: 35346344, PMCID: PMC8962531